The following is an entry in ClinVar:

ClinVar aggregate classification (germline): Uncertain significance (1 of 4 stars; one submission).

Conditions:
GATA6-related disorder. Also called: GATA6-related condition.

Submission:

PreventionGenetics, part of Exact Sciences
Classification: Uncertain significance for GATA6-related condition. Last evaluated: 2026-03-11. Review status: criteria provided, single submitter. Criteria: ACMG Guidelines, 2015. Collection method: clinical testing. Allele origin: germline.
Comment: The GATA6 c.987_998dup12 variant is predicted to result in an in-frame duplication (p.His330_His333dup). To our knowledge, this variant has not been reported in the literature or in a large population database (gnomAD), indicating this variant is rare. At this time, the clinical significance of this variant is uncertain due to the absence of conclusive functional and genetic evidence.

NM_005257.6(GATA6):c.969CCA[14] (p.His333_Pro334insHisHisHisHis)

Gene: GATA6 (GATA binding protein 6; plus strand). Cytogenetic location: 18q11.2.
Variant type: Microsatellite.
Coding change: c.969CCA[14] on transcript NM_005257.6 (MANE Select); 14 copies in a row of the 3-base unit CCA starting at c.969; the reference has ten copies in a row; four copies, 12 bases duplicated.
Protein change: p.His333_Pro334insHisHisHisHis.
Molecular consequence: inframe insertion.
Genome position (GRCh38, 1-based): chr18:22,172,131-22,172,142, CCACCACCACCA duplicated; duplicating any 12 consecutive bases within chr18:22,172,112-22,172,142 gives the same sequence; the position shown is the placement nearest the transcript's 3' end. VCF-style (leftmost placement, unchanged base first): chr18-22172111-T-TACCACCACCACC. GRCh37 (hg19) VCF-style: chr18-19752072-T-TACCACCACCACC.
Identifiers: ClinVar variation 4993058 (VCV004993058.1).